The following is an entry in ClinVar:

NM_006642.5(SDCCAG8):c.1301A>T (p.Asn434Ile)

Gene: SDCCAG8 (SHH signaling and ciliogenesis regulator SDCCAG8; plus strand). Cytogenetic location: 1q43.
Variant type: single nucleotide variant.
Coding change: c.1301A>T on transcript NM_006642.5 (MANE Select); coding-DNA position 1301, A replaced by T.
Protein change: p.Asn434Ile; replaces asparagine 434 with isoleucine.
Molecular consequence: missense variant.
Genome position (GRCh38, 1-based): chr1:243,341,118, A>T. VCF-style: chr1-243341118-A-T. GRCh37 (hg19) VCF-style: chr1-243504420-A-T.
Other names: c.398A>T, p.Asn133Ile (NM_001350246.2, NM_001350247.2, NM_001350251.2); c.1397A>T, p.Asn466Ile (NM_001350248.2); c.1007A>T, p.Asn336Ile (NM_001350249.2); short protein forms N434I, N466I, N336I, N133I.
Identifiers: ClinVar variation 2142848 (VCV002142848.4), dbSNP rs2528030001, ClinGen allele CA345474625.
Genomic context (GRCh38, chr1:243,341,118, plus strand): 5'-ATATTGCCCAACTGGAGGCCCAGGTGGAAAAGGTTACAAAGGAAAAGATTTCAGCTATTA[A>T]TCAACTGGAGGAAATTCAAAGCCAGCTGGCTTCTCGGGAAATGGATGTCACAAAGGTACA-3'
Protein context (NP_006633.1, residues 424-444): KVTKEKISAI[Asn434Ile]QLEEIQSQLA

ClinVar aggregate classification (germline): Uncertain significance (1 of 4 stars; one submission).

Conditions:
Bardet-Biedl syndrome 16 (BBS16). Identifiers: Orphanet 110, MedGen C3889474, MONDO:0014444, OMIM 615993.
Senior-Loken syndrome 7 (SLSN7). Identifiers: Orphanet 3156, MedGen C3150877, MONDO:0013326, OMIM 613615.

Submission:

Labcorp Genetics (formerly Invitae), Labcorp
Classification: Uncertain significance for Bardet-Biedl syndrome 16; Senior-Loken syndrome 7. Last evaluated: 2022-10-13. Review status: criteria provided, single submitter. Criteria: Invitae Variant Classification Sherloc (09022015). Collection method: clinical testing. Allele origin: germline.
Comment: Advanced modeling of protein sequence and biophysical properties (such as structural, functional, and spatial information, amino acid conservation, physicochemical variation, residue mobility, and thermodynamic stability) performed at Invitae indicates that this missense variant is not expected to disrupt SDCCAG8 protein function. In summary, the available evidence is currently insufficient to determine the role of this variant in disease. Therefore, it has been classified as a Variant of Uncertain Significance. This variant has not been reported in the literature in individuals affected with SDCCAG8-related conditions. This variant is not present in population databases (gnomAD no frequency). This sequence change replaces asparagine, which is neutral and polar, with isoleucine, which is neutral and non-polar, at codon 434 of the SDCCAG8 protein (p.Asn434Ile).